The following is an entry in ClinVar:

NM_004974.4(KCNA2):c.900A>C (p.Arg300Ser)

Gene: KCNA2 (potassium voltage-gated channel subfamily A member 2; minus strand). Cytogenetic location: 1p13.3.
Variant type: single nucleotide variant.
Coding change: c.900A>C on transcript NM_004974.4 (MANE Select); coding-DNA position 900, A replaced by C.
Protein change: p.Arg300Ser; replaces arginine 300 with serine.
Molecular consequence: missense variant. On other transcripts: intron variant (1).
Genome position (GRCh38, 1-based): chr1:110,603,883, T>G on the plus strand (A>C on the coding strand, the complement: KCNA2 is on the minus strand). VCF-style: chr1-110603883-T-G. GRCh37 (hg19) VCF-style: chr1-111146505-T-G.
Other names: c.894+6A>C (NM_001204269.2); short protein forms R300S.
Identifiers: ClinVar variation 2118816 (VCV002118816.4), dbSNP rs2101398595, ClinGen allele CA341602854.

ClinVar aggregate classification (germline): Pathogenic (1 of 4 stars; one submission).

Conditions:
Developmental and epileptic encephalopathy, 32 (DEE32). Also called: Epileptic encephalopathy, early infantile, 32. Identifiers: Orphanet 442835, MedGen C4225350, MONDO:0014607, OMIM 616366.

Submission:

Labcorp Genetics (formerly Invitae), Labcorp
Classification: Pathogenic for Developmental and epileptic encephalopathy, 32. Last evaluated: 2023-07-07. Review status: criteria provided, single submitter. Criteria: Invitae Variant Classification Sherloc (09022015). Collection method: clinical testing. Allele origin: germline.
Comment: A different variant (c.900A>T) giving rise to the same protein effect has been determined to be pathogenic (Invitae). This suggests that this variant is also likely to be causative of disease. ClinVar contains an entry for this variant (Variation ID: 2118816). Advanced modeling of protein sequence and biophysical properties (such as structural, functional, and spatial information, amino acid conservation, physicochemical variation, residue mobility, and thermodynamic stability) performed at Invitae indicates that this missense variant is expected to disrupt KCNA2 protein function. For these reasons, this variant has been classified as Pathogenic. This variant is not present in population databases (gnomAD no frequency). This sequence change replaces arginine, which is basic and polar, with serine, which is neutral and polar, at codon 300 of the KCNA2 protein (p.Arg300Ser).